The following is an entry in ClinVar:

ClinVar aggregate classification (germline): Uncertain significance (1 of 4 stars; one submission).

Allele frequency attached by ClinVar (database versions not stated): ExAC 0.00001; gnomAD exomes 0.00001.

Submission:

Labcorp Genetics (formerly Invitae), Labcorp
Classification: Uncertain significance. Last evaluated: 2022-07-03. Review status: criteria provided, single submitter. Criteria: Invitae Variant Classification Sherloc (09022015). Collection method: clinical testing. Allele origin: germline.
Comment: This sequence change replaces arginine, which is basic and polar, with histidine, which is basic and polar, at codon 141 of the PUS1 protein (p.Arg141His). This variant is present in population databases (rs757238803, gnomAD 0.006%). This variant has not been reported in the literature in individuals affected with PUS1-related conditions. Algorithms developed to predict the effect of missense changes on protein structure and function (SIFT, PolyPhen-2, Align-GVGD) all suggest that this variant is likely to be disruptive. In summary, the available evidence is currently insufficient to determine the role of this variant in disease. Therefore, it has been classified as a Variant of Uncertain Significance.

NM_025215.6(PUS1):c.422G>A (p.Arg141His)

Genes: PUS1 (pseudouridine synthase 1; plus strand), LOC132090059 (Neanderthal introgressed variant-containing enhancer experimental_25941; plus strand). Cytogenetic location: 12q24.33.
Variant type: single nucleotide variant.
Coding change: c.422G>A on transcript NM_025215.6 (MANE Select); coding-DNA position 422, G replaced by A.
Protein change: p.Arg141His; replaces arginine 141 with histidine.
Molecular consequence: missense variant.
Genome position (GRCh38, 1-based): chr12:131,932,293, G>A. VCF-style: chr12-131932293-G-A. GRCh37 (hg19) VCF-style: chr12-132416838-G-A.
Other names: c.338G>A, p.Arg113His (NM_001002019.3, NM_001002020.3); short protein forms R113H, R141H.
Identifiers: ClinVar variation 2427069 (VCV002427069.4), dbSNP rs757238803, ClinGen allele CA6884114.